The following is an entry in ClinVar:

NM_007294.4(BRCA1):c.2020C>T (p.Pro674Ser)

Gene: BRCA1 (BRCA1 DNA repair associated; minus strand). Cytogenetic location: 17q21.31.
Variant type: single nucleotide variant.
Coding change: c.2020C>T on transcript NM_007294.4 (MANE Select); coding-DNA position 2020, C replaced by T.
Protein change: p.Pro674Ser; replaces proline 674 with serine.
Molecular consequence: missense variant. On other transcripts: intron variant (137).
Genome position (GRCh38, 1-based): chr17:43,093,511, G>A on the plus strand (C>T on the coding strand, the complement: BRCA1 is on the minus strand). VCF-style: chr17-43093511-G-A. GRCh37 (hg19) VCF-style: chr17-41245528-G-A.
Other names: c.1807C>T, p.Pro603Ser (NM_001407571.1, NM_001407853.1, NM_001407894.1 and 9 more transcripts); c.2020C>T, p.Pro674Ser (NM_001407581.1, NM_001407582.1, NM_001407583.1 and 30 more transcripts); c.2017C>T, p.Pro673Ser (NM_001407587.1, NM_001407590.1, NM_001407591.1 and 22 more transcripts); c.2011C>T, p.Pro671Ser (NM_001407646.1, NM_001407647.1); c.1897C>T, p.Pro633Ser (NM_001407648.1, NM_001407664.1, NM_001407665.1 and 19 more transcripts); c.1939C>T, p.Pro647Ser (NM_001407661.1, NM_001407662.1, NM_001407659.1 and 1 more transcripts); c.1942C>T, p.Pro648Ser (NM_001407663.1, NM_001407653.1, NM_001407654.1 and 4 more transcripts); c.1894C>T, p.Pro632Ser (NM_001407685.1, NM_001407686.1, NM_001407687.1 and 11 more transcripts); and 40 more; short protein forms P627S, P674S, P547S, P562S, P563S, P606S, P633S, P648S.
Identifiers: ClinVar variation 1477650 (VCV001477650.12), dbSNP rs1567797243, ClinGen allele CA10597968.

ClinVar aggregate classification (germline): Conflicting classifications of pathogenicity. Review status: criteria provided, conflicting classifications (1 of 4 stars). 3 submissions from 3 submitters: Uncertain significance (1); Likely benign (2). Last evaluated 2026-03-24.

Conditions:
Hereditary breast ovarian cancer syndrome. Also called: Hereditary breast and ovarian cancer; Breast and ovarian cancer; Hereditary breast and/or ovarian cancer syndrome; Hereditary breast and ovarian cancer syndrome; Hereditary breast and ovarian cancer syndrome (HBOC); BRCA1- and BRCA2-Associated Hereditary Breast and Ovarian Cancer. Identifiers: Orphanet 145, MedGen C0677776, MeSH D061325, MONDO:0003582. Disease mechanism: loss of function.
Hereditary cancer-predisposing syndrome. Also called: Tumor predisposition; Neoplastic Syndromes, Hereditary; Hereditary Cancer Syndrome; Hereditary neoplastic syndrome. Identifiers: Orphanet 140162, MedGen C0027672, MeSH D009386, MONDO:0015356.

Submissions (3):

Ambry Genetics
Classification: Likely benign for Hereditary cancer-predisposing syndrome. Last evaluated: 2026-03-24. Review status: criteria provided, single submitter. Criteria: Ambry Variant Classification Scheme 2023. Collection method: clinical testing. Allele origin: germline.

University of Washington Department of Laboratory Medicine, University of Washington
Classification: Likely benign for Hereditary cancer-predisposing syndrome. Last evaluated: 2023-03-23. Review status: criteria provided, single submitter. Criteria: Dines et al. (Genet Med. 2020). Collection method: curation. Allele origin: germline.
Comment: Missense variant in a coldspot region where missense variants are very unlikely to be pathogenic (PMID:31911673).

BRCA1 coldspot (exon 11 using historical exon numbering). Reclassification based on statistical prior probability

Labcorp Genetics (formerly Invitae), Labcorp
Classification: Uncertain significance for Hereditary breast ovarian cancer syndrome. Last evaluated: 2022-02-11. Review status: criteria provided, single submitter. Criteria: Invitae Variant Classification Sherloc (09022015). Collection method: clinical testing. Allele origin: germline.
Comment: This sequence change replaces proline, which is neutral and non-polar, with serine, which is neutral and polar, at codon 674 of the BRCA1 protein (p.Pro674Ser). This variant is not present in population databases (gnomAD no frequency). This variant has not been reported in the literature in individuals affected with BRCA1-related conditions. Advanced modeling of protein sequence and biophysical properties (such as structural, functional, and spatial information, amino acid conservation, physicochemical variation, residue mobility, and thermodynamic stability) performed at Invitae indicates that this missense variant is not expected to disrupt BRCA1 protein function. In summary, the available evidence is currently insufficient to determine the role of this variant in disease. Therefore, it has been classified as a Variant of Uncertain Significance.